The following is an entry in ClinVar:

NM_002691.4(POLD1):c.1243-15G>C

Gene: POLD1 (DNA polymerase delta 1, catalytic subunit; plus strand). Cytogenetic location: 19q13.33.
Variant type: single nucleotide variant.
Coding change: c.1243-15G>C on transcript NM_002691.4 (MANE Select); 15 bases into the intron before coding-DNA position 1243, G replaced by C.
Molecular consequence: intron variant.
Genome position (GRCh38, 1-based): chr19:50,406,167, G>C. VCF-style: chr19-50406167-G-C. GRCh37 (hg19) VCF-style: chr19-50909424-G-C.
Other names: c.1243-15G>C (NM_001256849.1, NM_001308632.1).
Identifiers: ClinVar variation 3904516 (VCV003904516.1).
Genomic context (GRCh38, chr19:50,406,167, plus strand): 5'-GGTCTCAATCTCCGTTCTTCAGGCTTATGTGACGGGGACCCGCAGCCTGCTGCACACCCT[G>C]CCTCTCCTCCTCAGGTACAAACATTCCCTTTCCTGGGCCGTGTGGCCGGCCTTTGCTCCA-3'

ClinVar aggregate classification (germline): Likely benign (1 of 4 stars; one submission).

Conditions:
POLD1-related polyposis and colorectal cancer syndrome (CRCS10). Also called: Colorectal cancer 10; COLORECTAL CANCER, SUSCEPTIBILITY TO, ON CHROMOSOME 19q; Colorectal cancer, susceptibility to, 10. Identifiers: Orphanet 220460, MedGen C2675481, MONDO:0012953, OMIM 612591.

Submission:

Myriad Genetics, Inc.
Classification: Likely benign for POLD1-related polyposis and colorectal cancer syndrome. Last evaluated: 2025-02-05. Review status: criteria provided, single submitter. Criteria: Myriad Autosomal Dominant, Autosomal Recessive and X-Linked Classification Criteria (2023). Collection method: clinical testing. Allele origin: unknown.
Comment: This variant is considered likely benign. This variant is intronic and is not expected to impact mRNA splicing.